The following is an entry in ClinVar:

ClinVar aggregate classification (germline): Conflicting classifications of pathogenicity. Review status: criteria provided, conflicting classifications (1 of 4 stars). 4 submissions from 4 submitters: Uncertain significance (1); Likely benign (2). 1 of the submissions does not count toward it. Last evaluated 2023-10-08.

Conditions:
ABCG8-related disorder. Also called: ABCG8-related condition.

Allele frequency attached by ClinVar (database versions not stated): gnomAD 0.00002; TOPMed 0.00002; gnomAD exomes 0.00004 and 0.00010; ExAC 0.00008; ESP Exome Variant Server 0.00015.
gnomAD v4.1: 60 of 1,614,006 alleles (0.0037%); highest among the groups gnomAD compares: Non-Finnish European, 0.00042%; no homozygotes.

Submissions (4):

Labcorp Genetics (formerly Invitae), Labcorp
Classification: Likely benign. Last evaluated: 2023-10-08. Review status: criteria provided, single submitter. Criteria: Invitae Variant Classification Sherloc (09022015). Collection method: clinical testing. Allele origin: germline.

CeGaT Center for Human Genetics Tuebingen
Classification: Likely benign. Last evaluated: 2022-12-01. Review status: criteria provided, single submitter. Criteria: CeGaT Center For Human Genetics Tuebingen Variant Classification Criteria Version 2. Collection method: clinical testing. Allele origin: germline. Affected: yes. Observed: 1 variant allele.
Comment: ABCG8: BP4

Eurofins Ntd Llc (ga)
Classification: Uncertain significance. Last evaluated: 2017-09-07. Review status: criteria provided, single submitter. Criteria: EGL Classification Definitions 2015. Collection method: clinical testing. Allele origin: germline. Observed: 2 variant alleles, 2 heterozygotes.

PreventionGenetics, part of Exact Sciences
Classification: Likely benign for ABCG8-related condition. Last evaluated: 2022-03-15. Review status: no assertion criteria provided. Collection method: clinical testing. Allele origin: germline. Not counted in ClinVar's aggregate classification.
Comment: This variant is classified as likely benign based on ACMG/AMP sequence variant interpretation guidelines (Richards et al. 2015 PMID: 25741868, with internal and published modifications).

NM_022437.3(ABCG8):c.695-7T>C

Gene: ABCG8 (ATP binding cassette subfamily G member 8; plus strand). Cytogenetic location: 2p21.
Variant type: single nucleotide variant.
Coding change: c.695-7T>C on transcript NM_022437.3 (MANE Select); 7 bases into the intron before coding-DNA position 695, T replaced by C.
Molecular consequence: intron variant.
Genome position (GRCh38, 1-based): chr2:43,852,592, T>C. VCF-style: chr2-43852592-T-C. GRCh37 (hg19) VCF-style: chr2-44079731-T-C.
Other names: c.695-7T>C (NM_001357321.2, NM_022437.2).
Identifiers: ClinVar variation 593999 (VCV000593999.33), dbSNP rs374648568, ClinGen allele CA1637147.